The following is an entry in ClinVar:

ClinVar aggregate classification (germline): Likely pathogenic (1 of 4 stars; one submission).

gnomAD v4.1: 1 of 1,568,720 alleles (0.000064%); highest among the groups gnomAD compares: Non-Finnish European, 0.000087%; no homozygotes.

Submission:

Dasa
Classification: Likely pathogenic. Last evaluated: 2024-10-16. Review status: criteria provided, single submitter. Criteria: DASA Assertion Criteria. Collection method: clinical testing. Allele origin: germline.
Comment: NM_001010874.5(TECRL):c.774+1G>C affects a canonical splice site and is predicted to disrupt normal RNA splicing. Loss of function is an established disease mechanism for TECRL-associated disorders. Also, this variant is rare in population databases. Based on the currently available evidence, this variant is classified as likely pathogenic.

NM_001010874.5(TECRL):c.774+1G>C

Gene: TECRL (trans-2,3-enoyl-CoA reductase like; minus strand). Cytogenetic location: 4q13.1.
Variant type: single nucleotide variant.
Coding change: c.774+1G>C on transcript NM_001010874.5 (MANE Select); the canonical splice donor site of the intron after coding-DNA position 774, G replaced by C.
Molecular consequence: splice donor variant.
Genome position (GRCh38, 1-based): chr4:64,299,973, C>G on the plus strand (G>C on the coding strand, the complement: TECRL is on the minus strand). VCF-style: chr4-64299973-C-G. GRCh37 (hg19) VCF-style: chr4-65165691-C-G.
Other names: c.774+1G>C (NM_001363796.1).
Identifiers: ClinVar variation 4880663 (VCV004880663.2).